The following is an entry in ClinVar:

NM_001401501.2(MUC16):c.37223-6A>C

Gene: MUC16 (mucin 16, cell surface associated; minus strand). Cytogenetic location: 19p13.2.
Variant type: single nucleotide variant.
Coding change: c.37223-6A>C on transcript NM_001401501.2 (MANE Select); 6 bases into the intron before coding-DNA position 37223, A replaced by C.
Molecular consequence: intron variant.
Genome position (GRCh38, 1-based): chr19:8,913,826, T>G on the plus strand (A>C on the coding strand, the complement: MUC16 is on the minus strand). VCF-style: chr19-8913826-T-G. GRCh37 (hg19) VCF-style: chr19-9024502-T-G.
Other names: c.37649-6A>C (NM_001414686.1); c.37103-6A>C (NM_001414687.1); c.37037-6A>C (NM_024690.2).
Identifiers: ClinVar variation 3040769 (VCV003040769.2), dbSNP rs774150119, ClinGen allele CA631389109.

ClinVar aggregate classification (germline): Likely benign (0 of 4 stars; one submission).

Conditions:
MUC16-related disorder. Also called: MUC16-related condition.

Submission:

PreventionGenetics, part of Exact Sciences
Classification: Likely benign for MUC16-related condition. Last evaluated: 2019-09-18. Review status: no assertion criteria provided. Collection method: clinical testing. Allele origin: germline.
Comment: This variant is classified as likely benign based on ACMG/AMP sequence variant interpretation guidelines (Richards et al. 2015 PMID: 25741868, with internal and published modifications).